The following is an entry in ClinVar:

ClinVar aggregate classification (germline): Likely benign. Review status: criteria provided, multiple submitters, no conflicts (2 of 4 stars). 4 submissions from 4 submitters: Likely benign (3). 1 of the submissions does not count toward it. Last evaluated 2025-08-01.

Conditions:
SEMA3D-related disorder. Also called: SEMA3D-related condition.

Allele frequency attached by ClinVar (database versions not stated): 1000 Genomes Project 30x 0.00265; TOPMed 0.00286; gnomAD exomes 0.00405 and 0.00238; ExAC 0.00225; ESP Exome Variant Server 0.00231; 1000 Genomes Project 0.00240; gnomAD 0.00249 and 0.00259.
gnomAD v4.1: 6,256 of 1,610,048 alleles (0.39%); highest among the groups gnomAD compares: Non-Finnish European, 0.47%; 20 homozygotes.

Submissions (4):

CeGaT Center for Human Genetics Tuebingen
Classification: Likely benign. Last evaluated: 2025-08-01. Review status: criteria provided, single submitter. Criteria: CeGaT Center For Human Genetics Tuebingen Variant Classification Criteria Version 2. Collection method: clinical testing. Allele origin: germline. Affected: yes. Observed: 3 variant alleles.
Comment: SEMA3D: BS2

Labcorp Genetics (formerly Invitae), Labcorp
Classification: Likely benign. Last evaluated: 2019-12-31. Review status: criteria provided, single submitter. Criteria: Invitae Variant Classification Sherloc (09022015). Collection method: clinical testing. Allele origin: germline.

Breakthrough Genomics
Classification: Likely benign. Review status: criteria provided, single submitter. Criteria: ACMG Guidelines, 2015. Collection method: not provided. Allele origin: germline. Inheritance: Unknown mechanism. Affected: yes.

PreventionGenetics, part of Exact Sciences
Classification: Likely benign for SEMA3D-related condition. Last evaluated: 2021-05-19. Review status: no assertion criteria provided. Collection method: clinical testing. Allele origin: germline. Not counted in ClinVar's aggregate classification.
Comment: This variant is classified as likely benign based on ACMG/AMP sequence variant interpretation guidelines (Richards et al. 2015 PMID: 25741868, with internal and published modifications).

NM_001384900.1(SEMA3D):c.1843C>A (p.Pro615Thr)

Gene: SEMA3D (semaphorin 3D; minus strand). Cytogenetic location: 7q21.11.
Variant type: single nucleotide variant.
Coding change: c.1843C>A on transcript NM_001384900.1 (MANE Select); coding-DNA position 1843, C replaced by A.
Protein change: p.Pro615Thr; replaces proline 615 with threonine.
Molecular consequence: missense variant.
Genome position (GRCh38, 1-based): chr7:85,006,867, G>T on the plus strand (C>A on the coding strand, the complement: SEMA3D is on the minus strand). VCF-style: chr7-85006867-G-T. GRCh37 (hg19) VCF-style: chr7-84636183-G-T.
Other names: c.1843C>A, p.Pro615Thr (NM_001384901.1, NM_001384902.1, NM_001384903.1 and 1 more transcripts); short protein forms P615T.
Identifiers: ClinVar variation 782021 (VCV000782021.30), dbSNP rs117730916, ClinGen allele CA4323268.